The following is an entry in ClinVar:

NM_004484.4(GPC3):c.517A>G (p.Ser173Gly)

Gene: GPC3 (glypican 3; minus strand). Cytogenetic location: Xq26.2.
Variant type: single nucleotide variant.
Coding change: c.517A>G on transcript NM_004484.4 (MANE Select); coding-DNA position 517, A replaced by G.
Protein change: p.Ser173Gly; replaces serine 173 with glycine.
Molecular consequence: missense variant.
Genome position (GRCh38, 1-based): chrX:133,753,997, T>C on the plus strand (A>G on the coding strand, the complement: GPC3 is on the minus strand). VCF-style: chrX-133753997-T-C. GRCh37 (hg19) VCF-style: chrX-132888024-T-C.
Other names: c.517A>G, p.Ser173Gly (NM_001164617.2); c.469A>G, p.Ser157Gly (NM_001164618.2); c.355A>G, p.Ser119Gly (NM_001164619.2); short protein forms S173G, S119G, S157G.
Identifiers: ClinVar variation 856941 (VCV000856941.12), dbSNP rs2071700126, ClinGen allele CA414706444.

ClinVar aggregate classification (germline): Conflicting classifications of pathogenicity. Review status: criteria provided, conflicting classifications (1 of 4 stars). 3 submissions from 3 submitters: Uncertain significance (2); Likely benign (1). Last evaluated 2026-01-26.

Conditions:
Simpson-Golabi-Behmel syndrome type 1 (SGBS1). Also called: BULLDOG SYNDROME; SIMPSON DYSMORPHIA SYNDROME; DYSPLASIA GIGANTISM SYNDROME, X-LINKED; GOLABI-ROSEN SYNDROME; GPC3-Related Simpson-Golabi-Behmel Syndrome Type 1. Identifiers: Orphanet 373, MedGen C0796154, MONDO:0020602, OMIM 312870.
Wilms tumor 1 (WT1). Also called: Wilms tumor, somatic. Identifiers: Orphanet 654, MedGen CN033288, MONDO:0008679, OMIM 194070.

Submissions (3):

GeneDx
Classification: Uncertain significance. Last evaluated: 2026-01-26. Review status: criteria provided, single submitter. Criteria: GeneDx Variant Classification Process June 2021. Collection method: clinical testing. Allele origin: germline.
Comment: Not observed at significant frequency in large population cohorts (gnomAD); In silico analysis suggests that this missense variant does not alter protein structure/function; Has not been previously published as pathogenic or benign to our knowledge

Labcorp Genetics (formerly Invitae), Labcorp
Classification: Likely benign for Wilms tumor 1. Last evaluated: 2025-12-08. Review status: criteria provided, single submitter. Criteria: Invitae Variant Classification Sherloc (09022015). Collection method: clinical testing. Allele origin: germline.

Fulgent Genetics
Classification: Uncertain significance for Wilms tumor 1; Simpson-Golabi-Behmel syndrome type 1. Last evaluated: 2024-05-07. Review status: criteria provided, single submitter. Criteria: ACMG Guidelines, 2015. Collection method: clinical testing. Allele origin: germline.